The following is an entry in ClinVar:

ClinVar aggregate classification (germline): Uncertain significance. Review status: criteria provided, multiple submitters, no conflicts (2 of 4 stars). 3 submissions from 3 submitters: Uncertain significance (3). Last evaluated 2026-06-26.

Conditions:
Spondyloepimetaphyseal dysplasia, aggrecan type. Also called: SEMD, AGGRECAN TYPE. Identifiers: Orphanet 171866, MedGen C2748544, MONDO:0013014, OMIM 612813.

Allele frequency attached by ClinVar (database versions not stated): gnomAD 0.00015; 1000 Genomes Project 30x 0.00047; TOPMed 0.00002; 1000 Genomes Project 0.00040.
gnomAD v4.1: 211 of 1,613,842 alleles (0.013%); highest among the groups gnomAD compares: South Asian, 0.21%; 2 homozygotes.

Submissions (3):

Women's Health and Genetics/Laboratory Corporation of America, LabCorp
Classification: Uncertain significance. Last evaluated: 2026-06-26. Review status: criteria provided, single submitter. Criteria: LabCorp Variant Classification Summary - May 2015. Collection method: clinical testing. Allele origin: germline.
Comment: Variant summary: ACAN c.7508G>A (p.Arg2503Gln) results in a conservative amino acid change in the encoded protein sequence. Algorithms developed to predict the effect of missense changes on protein structure and function are either unavailable or do not agree on the potential impact of this missense change. The variant allele was found at a frequency of 0.00023 in 248892 control chromosomes in the gnomAD database, including 1 homozygotes. This frequency is not significantly higher than estimated for disease-causing variants in ACAN, allowing no conclusion about variant significance. To our knowledge, no occurrence of c.7508G>A in individuals affected with ACAN-related conditions and no experimental evidence demonstrating its impact on protein function have been reported. ClinVar contains an entry for this variant (Variation ID: 2584788). Based on the evidence outlined above, the variant was classified as uncertain significance.

Labcorp Genetics (formerly Invitae), Labcorp
Classification: Uncertain significance. Last evaluated: 2026-01-12. Review status: criteria provided, single submitter. Criteria: Invitae Variant Classification Sherloc (09022015). Collection method: clinical testing. Allele origin: germline.
Comment: This sequence change replaces arginine, which is basic and polar, with glutamine, which is neutral and polar, at codon 2465 of the ACAN protein (p.Arg2465Gln). This variant is present in population databases (rs529444135, gnomAD 0.2%), including at least one homozygous and/or hemizygous individual. This variant has not been reported in the literature in individuals affected with ACAN-related conditions. ClinVar contains an entry for this variant (Variation ID: 2584788). An algorithm developed to predict the effect of missense changes on protein structure and function (PolyPhen-2) suggests that this variant is likely to be disruptive. In summary, the available evidence is currently insufficient to determine the role of this variant in disease. Therefore, it has been classified as a Variant of Uncertain Significance.

Neuberg Centre For Genomic Medicine, NCGM
Classification: Uncertain significance for Spondyloepimetaphyseal dysplasia, aggrecan type. Review status: criteria provided, single submitter. Criteria: ACMG Guidelines, 2015. Collection method: clinical testing. Allele origin: germline. Inheritance: Autosomal recessive inheritance. Affected: yes.
Comment: The missense variant in c.7508G>A in ACAN gene has not been reported previously as a pathogenic variant nor as a benign variant, to our knowledge. This variant is reported with allele frequency of 0.02069% in gnomAD database. This variant has not been reported to the ClinVar database. The amino acid change p.Arg2503Gln in ACAN is predicted as conserved by GERP++ and PhyloP across 100 vertebrates. The amino acid Arg at position 2503 is changed to a Gln changing protein sequence and it might alter its composition and physico-chemical properties. For these reasons, this variant has been classified as Uncertain Significance (VUS).

NM_001369268.1(ACAN):c.7508G>A (p.Arg2503Gln)

Gene: ACAN (aggrecan; plus strand). Cytogenetic location: 15q26.1.
Variant type: single nucleotide variant.
Coding change: c.7508G>A on transcript NM_001369268.1 (MANE Select); coding-DNA position 7508, G replaced by A.
Protein change: p.Arg2503Gln; replaces arginine 2503 with glutamine.
Molecular consequence: missense variant. On other transcripts: intron variant (1).
Genome position (GRCh38, 1-based): chr15:88,873,902, G>A. VCF-style: chr15-88873902-G-A. GRCh37 (hg19) VCF-style: chr15-89417133-G-A.
Other names: c.7280G>A, p.Arg2427Gln (NM_001411096.1); c.7394G>A, p.Arg2465Gln (NM_001411097.1, NM_013227.4); c.7220-503G>A (NM_001135.4); short protein forms R2465Q, R2427Q, R2503Q.
Identifiers: ClinVar variation 2584788 (VCV002584788.6), dbSNP rs529444135, ClinGen allele CA7720715.
Genomic context (GRCh38, chr15:88,873,902, plus strand): 5'-TGGCCTGCGGAGAGCCCCCTGTGGTGGAGCATGCCAGGACCTTCGGGCAGAAGAAGGACC[G>A]GTATGAGATCAATTCCCTGGTGCGGTACCAGTGCACAGAGGGGTTTGTCCAGCGCCACAT-3'
Protein context (NP_001356197.1, residues 2493-2513): HARTFGQKKD[Arg2503Gln]YEINSLVRYQ